The following is an entry in ClinVar:

ClinVar aggregate classification (germline): Conflicting classifications of pathogenicity. Review status: criteria provided, conflicting classifications (1 of 4 stars). 17 submissions from 13 submitters: Uncertain significance (10); Benign (2); Likely benign (5). Last evaluated 2026-06-23.

Conditions:
TTN-related disorder. Also called: TTN-related condition; TTN-related disease; TTN-related disorders.
Dilated cardiomyopathy 1G (CMD1G). Identifiers: Orphanet 154, MedGen C1858763, MONDO:0011400, OMIM 604145.
Autosomal recessive limb-girdle muscular dystrophy type 2J (LGMDR10). Also called: Limb-girdle muscular dystrophy, type 2J; MUSCULAR DYSTROPHY, LIMB-GIRDLE, AUTOSOMAL RECESSIVE 10. Identifiers: Orphanet 140922, MedGen C1837342, MONDO:0012127, OMIM 608807.
Cardiovascular phenotype. Identifiers: MedGen CN230736.
Tibial muscular dystrophy (TMD). Also called: Udd Distal Myopathy – Tibial Muscular Dystrophy; UDD MYOPATHY; Tibial muscular dystrophy, tardive. Identifiers: Orphanet 609, MedGen C1838244, MONDO:0010870, OMIM 600334.
Early-onset myopathy with fatal cardiomyopathy (CMYO5). Also called: CONGENITAL MYOPATHY 5 WITH CARDIOMYOPATHY; Salih Myopathy. Identifiers: Orphanet 289377, MedGen C2673677, MONDO:0012714, OMIM 611705. Disease mechanism: loss of function.
Myopathy, myofibrillar, 9, with early respiratory failure (MFM9). Also called: Hereditary myopathy with early respiratory failure; EDSTROM MYOPATHY; MYOPATHY, PROXIMAL, WITH EARLY RESPIRATORY MUSCLE INVOLVEMENT; Myopathy, distal, with early respiratory failure, autosomal dominant. Identifiers: Orphanet 178464, Orphanet 34521, MedGen C1863599, MONDO:0011362, OMIM 603689.
Hypertrophic cardiomyopathy. Also called: HYPERTROPHIC MYOCARDIOPATHY. Identifiers: Orphanet 217569, MedGen C0007194, MeSH D002312, MONDO:0005045, HP:0001639.

Allele frequency attached by ClinVar (database versions not stated): gnomAD 0.00007 and 0.00008; gnomAD exomes 0.00007 and 0.00020; ExAC 0.00008; ESP Exome Variant Server 0.00008; TOPMed 0.00009.
gnomAD v4.1: 291 of 1,612,730 alleles (0.018%); highest among the groups gnomAD compares: Non-Finnish European, 0.024%; no homozygotes.

Submissions (17):

Women's Health and Genetics/Laboratory Corporation of America, LabCorp
Classification: Uncertain significance. Last evaluated: 2026-06-23. Review status: criteria provided, single submitter. Criteria: LabCorp Variant Classification Summary - May 2015. Collection method: clinical testing. Allele origin: germline.
Comment: Variant summary: TTN c.85102G>A (p.Val28368Ile) results in a conservative amino acid change in the encoded protein sequence. Algorithms developed to predict the effect of missense changes on protein structure and function all suggest that this variant is likely to be tolerated. The variant allele was found at a frequency of 7.3e-05 in 248120 control chromosomes. This frequency is not significantly higher than estimated for disease-causing variants in TTN, allowing no conclusion about variant significance. c.85102G>A has been observed in individuals affected with cardiomyopathy (e.g., Brodehl_2016, Lopes_2013). These reports do not provide unequivocal conclusions about association of the variant with disease. To our knowledge, no experimental evidence demonstrating an impact on protein function has been reported. The following publications have been ascertained in the context of this evaluation (PMID: 26666891, 23396983). ClinVar contains an entry for this variant (Variation ID: 179038). Based on the evidence outlined above, the variant was classified as uncertain significance.

PreventionGenetics, part of Exact Sciences
Classification: Uncertain significance for TTN-related condition. Last evaluated: 2026-05-22. Review status: criteria provided, single submitter. Criteria: ACMG Guidelines, 2015. Collection method: clinical testing. Allele origin: germline.
Comment: The TTN c.92806G>A variant is predicted to result in the amino acid substitution p.Val30936Ile. This variant has been reported in an individual with hypertrophic cardiomyopathy (reported as c.65611G>A, p.Val21871Ile in transcript NM_003319 in Table S1, Lopes et al. 2013. PubMed ID: 23396983). This variant is reported in 0.016% of alleles in individuals of European (Non-Finnish) descent in gnomAD and has conflicting interpretations regarding its pathogenicity in ClinVar, ranging from benign to uncertain (Variation ID: 179038). An alternative alteration that leads to the same amino acid change (c.85101G>A, p.Val28368Ile in transcript NM_133378) has been reported in an individual from an exome sequencing cohort in which clinical details were limited (Supplemental Table 3, Ng et al. 2013. PubMed ID: 23861362). Although we suspect that the c.92806G>A, p.Val30936Ile variant may be benign, at this time, the clinical significance of this variant is uncertain due to the absence of conclusive functional and genetic evidence.

Blueprint Genetics
Classification: Likely benign. Last evaluated: 2024-09-09. Review status: criteria provided, single submitter. Criteria: ACMG Guidelines, 2015. Collection method: clinical testing. Allele origin: germline.

GeneDx
Classification: Likely benign. Last evaluated: 2020-07-15. Review status: criteria provided, single submitter. Criteria: GeneDx Variant Classification Process June 2021. Collection method: clinical testing. Allele origin: germline. Affected: yes.
Comment: This variant is associated with the following publications: (PMID: 23861362)

Ambry Genetics
Classification: Benign for Cardiovascular phenotype. Last evaluated: 2020-06-09. Review status: criteria provided, single submitter. Criteria: Ambry Variant Classification Scheme 2023. Collection method: clinical testing. Allele origin: germline.

Revvity Omics, Revvity
Classification: Uncertain significance. Last evaluated: 2019-06-24. Review status: criteria provided, single submitter. Criteria: ACMG Guidelines, 2015. Collection method: clinical testing. Allele origin: germline.

Cambridge Genomics Laboratory, East Genomic Laboratory Hub, NHS Genomic Medicine Service
Classification: Likely benign for Hypertrophic cardiomyopathy. Last evaluated: 2019-06-21. Review status: criteria provided, single submitter. Criteria: ACGS Best Practice Guidelines for Variant Classification in Rare Disease 2020. Collection method: clinical testing. Allele origin: germline. Affected: yes. Observed: 1 variant allele.

Illumina Laboratory Services, Illumina
Classification: Likely benign for Myopathy, myofibrillar, 9, with early respiratory failure. Last evaluated: 2018-01-13. Review status: criteria provided, single submitter. Criteria: ICSL Variant Classification Criteria 13 December 2019. Collection method: clinical testing. Allele origin: germline.
Comment: This variant was observed in the ICSL laboratory as part of a predisposition screen in an ostensibly healthy population. It had not been previously curated by ICSL or reported in the Human Gene Mutation Database (HGMD: prior to June 1st, 2018), and was therefore a candidate for classification through an automated scoring system. Utilizing variant allele frequency, disease prevalence and penetrance estimates, and inheritance mode, an automated score was calculated to assess if this variant is too frequent to cause the disease. Based on the score and internal cut-off values, a variant classified as likely benign is not then subjected to further curation. The score for this variant resulted in a classification of likely benign for this disease.

Illumina Laboratory Services, Illumina
Classification: Uncertain significance for Autosomal recessive limb-girdle muscular dystrophy type 2J. Last evaluated: 2018-01-13. Review status: criteria provided, single submitter. Criteria: ICSL Variant Classification Criteria 13 December 2019. Collection method: clinical testing. Allele origin: germline.

Illumina Laboratory Services, Illumina
Classification: Benign for Tibial muscular dystrophy. Last evaluated: 2018-01-13. Review status: criteria provided, single submitter. Criteria: ICSL Variant Classification Criteria 13 December 2019. Collection method: clinical testing. Allele origin: germline.
Comment: This variant was observed in the ICSL laboratory as part of a predisposition screen in an ostensibly healthy population. It had not been previously curated by ICSL or reported in the Human Gene Mutation Database (HGMD: prior to June 1st, 2018), and was therefore a candidate for classification through an automated scoring system. Utilizing variant allele frequency, disease prevalence and penetrance estimates, and inheritance mode, an automated score was calculated to assess if this variant is too frequent to cause the disease. Based on the score and internal cut-off values, a variant classified as benign is not then subjected to further curation. The score for this variant resulted in a classification of benign for this disease.

Illumina Laboratory Services, Illumina
Classification: Uncertain significance for Early-onset myopathy with fatal cardiomyopathy. Last evaluated: 2018-01-13. Review status: criteria provided, single submitter. Criteria: ICSL Variant Classification Criteria 13 December 2019. Collection method: clinical testing. Allele origin: germline.

Illumina Laboratory Services, Illumina
Classification: Uncertain significance for Dilated cardiomyopathy 1G. Last evaluated: 2018-01-13. Review status: criteria provided, single submitter. Criteria: ICSL Variant Classification Criteria 13 December 2019. Collection method: clinical testing. Allele origin: germline.

Labcorp Genetics (formerly Invitae), Labcorp
Classification: Uncertain significance for Dilated cardiomyopathy 1G; Autosomal recessive limb-girdle muscular dystrophy type 2J. Last evaluated: 2017-06-13. Review status: criteria provided, single submitter. Criteria: Invitae Variant Classification Sherloc (09022015). Collection method: clinical testing. Allele origin: germline.

Athena Diagnostics
Classification: Uncertain significance. Last evaluated: 2017-03-14. Review status: criteria provided, single submitter. Criteria: Athena Diagnostics Criteria. Collection method: clinical testing. Allele origin: germline.

Eurofins Ntd Llc (ga)
Classification: Uncertain significance. Last evaluated: 2015-08-04. Review status: criteria provided, single submitter. Criteria: EGL Classification Definitions 2015. Collection method: clinical testing. Allele origin: germline. Observed: 4 variant alleles, 4 heterozygotes.

Laboratory for Molecular Medicine, Mass General Brigham Personalized Medicine
Classification: Likely benign. Last evaluated: 2014-09-12. Review status: criteria provided, single submitter. Criteria: LMM Criteria. Collection method: clinical testing. Allele origin: germline. Observed: 1 variant allele.
Comment: Val28368Ile in exon 288 of TTN: This variant is not expected to have clinical si gnificance due to a lack of conservation across species, including mammals. Of n ote, >30 mammals, include multiple primates, have an isoleucine (Ile) at this po sition despite high nearby amino acid conservation. In addition, this variant ha s been identified in 1/8296 European American chromosomes by the NHLBI Exome Seq uencing Project and in 1/594 European chromo somes by the ClinSeq Project (dbSNP rs200476500).

Biesecker Lab/Clinical Genomics Section, National Institutes of Health
Classification: Uncertain significance. Last evaluated: 2013-06-24. Review status: criteria provided, single submitter. Criteria: Ng et al. (Circ Cardiovasc Genet. 2013). Collection method: research. Allele origin: unknown. Observed: 1 variant allele. Study: ClinSeq.
Comment: The study set was not selected for affection status in relation to any cancer. Pathogenicity categories were based on literature curation. See Pubmed ID:23861362 for details.

Medical sequencing

Literature cited by the submitters: PubMed 23396983 (cited by Women's Health and Genetics/Laboratory Corporation of America, LabCorp and Ambry Genetics); PubMed 26666891 (cited by Women's Health and Genetics/Laboratory Corporation of America, LabCorp); PubMed 23861362 (cited by Ambry Genetics).

NM_001267550.2(TTN):c.92806G>A (p.Val30936Ile)

Genes: TTN (titin; minus strand), TTN-AS1 (TTN antisense RNA 1; plus strand). Cytogenetic location: 2q31.2.
Variant type: single nucleotide variant.
Coding change: c.92806G>A on transcript NM_001267550.2 (MANE Select); coding-DNA position 92806, G replaced by A.
Protein change: p.Val30936Ile; replaces valine 30936 with isoleucine.
Molecular consequence: missense variant.
Genome position (GRCh38, 1-based): chr2:178,548,820, C>T on the plus strand (G>A on the coding strand, the complement: TTN is on the minus strand). VCF-style: chr2-178548820-C-T. GRCh37 (hg19) VCF-style: chr2-179413547-C-T.
Other names: p.V29295I:GTT>ATT; c.65611G>A, p.Val21871Ile (NM_003319.4); c.65986G>A, p.Val21996Ile (NM_133432.3); c.66187G>A, p.Val22063Ile (NM_133437.4); c.87883G>A, p.Val29295Ile (NM_001256850.1); c.85102G>A, p.Val28368Ile (NM_133378.4); short protein forms V28368I, V30936I, V29295I, V21871I, V21996I, V22063I.
Identifiers: ClinVar variation 179038 (VCV000179038.37), dbSNP rs200476500, ClinGen allele CA183583.